The following is an entry in ClinVar:

ClinVar aggregate classification (germline): Conflicting classifications of pathogenicity. Review status: criteria provided, conflicting classifications (1 of 4 stars). 9 submissions from 9 submitters: Uncertain significance (3); Benign (2); Likely benign (3). 1 of the submissions does not count toward it. Last evaluated 2026-06-15.

Conditions:
Autoinflammatory syndrome. Identifiers: Orphanet 93665, MedGen C3890737, MONDO:0019751.
Blau syndrome (BLAUS). Also called: GRANULOMATOSIS, FAMILIAL JUVENILE SYSTEMIC; GRANULOMATOSIS, FAMILIAL, BLAU TYPE; GRANULOMATOUS INFLAMMATORY ARTHRITIS, DERMATITIS, AND UVEITIS, FAMILIAL; JABS SYNDROME; ARTHROCUTANEOUVEAL GRANULOMATOSIS. Identifiers: Orphanet 90340, MedGen C5201146, MONDO:0008523, OMIM 186580.
Regional enteritis. Also called: Enteritis, Granulomatous. Identifiers: MedGen C0678202, MeSH D003424.

Allele frequency attached by ClinVar (database versions not stated): 1000 Genomes Project 0.00020; gnomAD 0.00026 and 0.00027; 1000 Genomes Project 30x 0.00031; TOPMed 0.00035; ESP Exome Variant Server 0.00038; ExAC 0.00056; gnomAD exomes 0.00056.
gnomAD v4.1: 615 of 1,614,204 alleles (0.038%); highest among the groups gnomAD compares: Middle Eastern, 0.26%; 6 homozygotes.

Submissions (9):

Women's Health and Genetics/Laboratory Corporation of America, LabCorp
Classification: Likely benign. Last evaluated: 2026-06-15. Review status: criteria provided, single submitter. Criteria: LabCorp Variant Classification Summary - May 2015. Collection method: clinical testing. Allele origin: germline.
Comment: Variant summary: NOD2 c.743T>G (p.Leu248Arg) results in a non-conservative amino acid change in the encoded protein sequence. Algorithms developed to predict the effect of missense changes on protein structure and function all suggest that this variant is likely to be disruptive. The variant allele was found at a frequency of 0.00056 in 251368 control chromosomes in the gnomAD database, including 2 homozygotes. The observed variant frequency exceeds the estimated maximal expected allele frequency for disease-causing variants in NOD2. To our knowledge, no experimental evidence demonstrating its impact on protein function has been reported. ClinVar contains an entry for this variant (Variation ID: 97881). Based on the evidence outlined above, the variant was classified as likely benign.

CeGaT Center for Human Genetics Tuebingen
Classification: Benign. Last evaluated: 2026-05-01. Review status: criteria provided, single submitter. Criteria: CeGaT Center For Human Genetics Tuebingen Variant Classification Criteria Version 2. Collection method: clinical testing. Allele origin: germline. Affected: yes. Observed: 1 variant allele.
Comment: NOD2: BS1, BS2

GeneDx
Classification: Uncertain significance. Last evaluated: 2026-03-26. Review status: criteria provided, single submitter. Criteria: GeneDx Variant Classification Process June 2021. Collection method: clinical testing. Allele origin: germline.
Comment: Identified in association with inflammatory bowel disease and Crohn's disease, however, detailed clinical information and segregation information were not always provided (PMID: 11875755, 29248579, 29795570, 33692434); Also identified in association with the following disorders: Behcet disease, inherited retinal and optical nerve disorder, and pediatric encephalitis, however, clinical and segregation information were not provided, and additional variants were identified in other genes in some of these individuals (PMID: 28814775, 32483926, 36198812); Functional studies performed on this variant have produced inconclusive results (PMID: 26500656, 38187608); In silico analysis supports that this missense variant has a deleterious effect on protein structure/function; This variant is associated with the following publications: (PMID: 11875755, 30167848, 28814775, 29248579, 32222431, 32483926, 29795570, 33692434, 40054525, 36006803, 37080976, 36198812, 36049483, 34347074, 26500656, 24803813, 40196132, 40623177, Miyamae2015[Poster], 15024686)

Labcorp Genetics (formerly Invitae), Labcorp
Classification: Benign for Regional enteritis; Blau syndrome. Last evaluated: 2026-01-18. Review status: criteria provided, single submitter. Criteria: Invitae Variant Classification Sherloc (09022015). Collection method: clinical testing. Allele origin: germline.

Blueprint Genetics
Classification: Likely benign. Last evaluated: 2024-10-30. Review status: criteria provided, single submitter. Criteria: ACMG Guidelines, 2015. Collection method: clinical testing. Allele origin: germline.

ARUP Laboratories, Molecular Genetics and Genomics, ARUP Laboratories
Classification: Uncertain significance. Last evaluated: 2024-05-10. Review status: criteria provided, single submitter. Criteria: ARUP Molecular Germline Variant Investigation Process 2024. Collection method: clinical testing. Allele origin: germline.
Comment: The NOD2 c.743T>G; p.Leu248Arg variant (rs104895423), also known as c.662T>G; p.Leu221Arg for NM_001370466.1, to our knowledge, is not reported in individuals with Blau syndrome, but is reported in one individual with diagnoses of Behcet and Crohn's disease (Burillo-Sanz 2017) and in several individuals with Crohn's disease or inflammatory bowel disease (Batlle-Maso 2020, Biscaglia 2022, Girardelli 2018, Horowitz 2021, Lesage 2002, Rivas 2018, Schiff 2018, Wu 2023). The variant is reported in the general population with an overall allele frequency of 0.05% (147/282,764 alleles including 2 homozygotes) in the Genome Aggregation Database (v2.1.1) and is listed in the ClinVar database (Variation ID: 97881). Computational analyses predict that this variant is deleterious (REVEL: 0.853). Additionally, functional studies show this variant protein does not associate with the membrane or respond to signals as the wild type protein (Parkhouse and Monie 2015). This variant may be a risk factor for Crohn's disease, possibly contributing together with other genetic and/or environmental factors. However, the significance of this variant specifically associated with a periodic fever disease such as Blau syndrome remains uncertain. References: Batlle-Maso L et al. Genetic diagnosis of autoinflammatory disease patients using clinical exome sequencing. Eur J Med Genet. 2020 May;63(5):103920. PMID: 32222431. Biscaglia G et al. Germline Alterations in Patients With IBD-associated Colorectal Cancer. Inflamm Bowel Dis. 2022 Mar 2;28(3):447-454. PMID: 34347074. Burillo-Sanz S et al. Mutational profile of rare variants in inflammasome-related genes in Behcet disease: A Next Generation Sequencing approach. Sci Rep. 2017 Aug 16;7(1):8453. PMID: 28814775. Girardelli M et al. Genetic profile of patients with early onset inflammatory bowel disease. Gene. 2018 Mar 1;645:18-29. PMID: 29248579. Horowitz JE et al. Mutation spectrum of NOD2 reveals recessive inheritance as a main driver of Early Onset Crohn's Disease. Sci Rep. 2021 Mar 10;11(1):5595. PMID: 33692434. Lesage S et al. CARD15/NOD2 mutational analysis and genotype-phenotype correlation in 612 patients with inflammatory bowel disease. Am J Hum Genet. 2002 Apr;70(4):845-57. PMID: 11875755. Parkhouse R and Monie TP. Dysfunctional Crohn's Disease-Associated NOD2 Polymorphisms Cannot be Reliably Predicted on the Basis of RIPK2 Binding or Membrane Association. Front Immunol. 2015 Oct 8;6:521. PMID: 26500656. Rivas MA et al. Insights into the genetic epidemiology of Crohn's and rare diseases in the Ashkenazi Jewish population. PLoS Genet. 2018 May 24;14(5):e1007329. PMID: 29795570. Schiff ER et al. Rare coding variant analysis in a large cohort of Ashkenazi Jewish families with inflammatory bowel disease. Hum Genet. 2018 Sep;137(9):723-734. PMID: 30167848. Wu Y et al. Identifying high-impact variants and genes in exomes of Ashkenazi Jewish inflammatory bowel disease patients. Nat Commun. 2023 Apr 20;14(1):2256. PMID: 37080976.

Genome Diagnostics Laboratory, The Hospital for Sick Children
Classification: Likely benign for Autoinflammatory syndrome. Last evaluated: 2019-12-01. Review status: criteria provided, single submitter. Criteria: ACMG Guidelines, 2015. Collection method: clinical testing. Allele origin: germline. Affected: yes.

Baylor Genetics
Classification: Uncertain significance for Blau syndrome. Last evaluated: 2018-05-30. Review status: criteria provided, single submitter. Criteria: ACMG Guidelines, 2015. Collection method: clinical testing. Allele origin: paternal. Affected: yes.
Comment: This variant was determined to be of uncertain significance according to ACMG Guidelines, 2015 [PMID:25741868].

Unité médicale des maladies autoinflammatoires, CHRU Montpellier
No classification provided. Condition: Sarcoidosis, early-onset. Review status: no classification provided. Collection method: not provided. Allele origin: unknown. Not counted in ClinVar's aggregate classification.
Comment: also involved in OMIM 186580 and 266600

NM_001370466.1(NOD2):c.662T>G (p.Leu221Arg)

Gene: NOD2 (nucleotide binding oligomerization domain containing 2; plus strand). Cytogenetic location: 16q12.1.
Variant type: single nucleotide variant.
Coding change: c.662T>G on transcript NM_001370466.1 (MANE Select); coding-DNA position 662, T replaced by G.
Protein change: p.Leu221Arg; replaces leucine 221 with arginine.
Molecular consequence: missense variant. On other transcripts: non-coding transcript variant (1).
Genome position (GRCh38, 1-based): chr16:50,710,654, T>G. VCF-style: chr16-50710654-T-G. GRCh37 (hg19) VCF-style: chr16-50744565-T-G.
Other names: c.743T>G (LRG_177t1); c.662T>G, p.Leu221Arg (NM_001293557.2); c.743T>G, p.Leu248Arg (NM_022162.3); short protein forms L248R, L221R.
Identifiers: ClinVar variation 97881 (VCV000097881.28), dbSNP rs104895423, ClinGen allele CA150342.
Genomic context (GRCh38, chr16:50,710,654, plus strand): 5'-CCACGGTGTCTGCTCAGTCTCGCTTCCTCAGTACCTATGATGGAGCAGAGACGCTCTGCC[T>G]GGAGGACATATACACAGAGAATGTCCTGGAGGTCTGGGCAGATGTGGGCATGGCTGGACC-3'
Protein context (NP_001357395.1, residues 211-231): STYDGAETLC[Leu221Arg]EDIYTENVLE